The following is an entry in ClinVar:

ClinVar aggregate classification (germline): Uncertain significance (1 of 4 stars; one submission).

Submission:

Labcorp Genetics (formerly Invitae), Labcorp
Classification: Uncertain significance. Last evaluated: 2023-10-09. Review status: criteria provided, single submitter. Criteria: Invitae Variant Classification Sherloc (09022015). Collection method: clinical testing. Allele origin: germline.
Comment: This sequence change replaces serine, which is neutral and polar, with glycine, which is neutral and non-polar, at codon 1112 of the ITGAM protein (p.Ser1112Gly). This variant is not present in population databases (gnomAD no frequency). This variant has not been reported in the literature in individuals affected with ITGAM-related conditions. An algorithm developed to predict the effect of missense changes on protein structure and function (PolyPhen-2) suggests that this variant is likely to be disruptive. In summary, the available evidence is currently insufficient to determine the role of this variant in disease. Therefore, it has been classified as a Variant of Uncertain Significance.

NM_000632.4(ITGAM):c.3334A>G (p.Ser1112Gly)

Gene: ITGAM (integrin subunit alpha M; plus strand). Cytogenetic location: 16p11.2.
Variant type: single nucleotide variant.
Coding change: c.3334A>G on transcript NM_000632.4 (MANE Select); coding-DNA position 3334, A replaced by G.
Protein change: p.Ser1112Gly; replaces serine 1112 with glycine.
Molecular consequence: missense variant.
Genome position (GRCh38, 1-based): chr16:31,331,222, A>G. VCF-style: chr16-31331222-A-G. GRCh37 (hg19) VCF-style: chr16-31342543-A-G.
Other names: c.3337A>G, p.Ser1113Gly (NM_001145808.2); short protein forms S1113G, S1112G.
Identifiers: ClinVar variation 2762098 (VCV002762098.3), dbSNP rs2544510873, ClinGen allele CA395706381.